The following is an entry in ClinVar:

ClinVar aggregate classification (germline): Uncertain significance. Review status: criteria provided, multiple submitters, no conflicts (2 of 4 stars). 2 submissions from 2 submitters: Uncertain significance (2). Last evaluated 2023-10-17.

Conditions:
Inborn genetic diseases. Identifiers: MedGen C0950123, MeSH D030342.

Submissions (2):

Ambry Genetics
Classification: Uncertain significance for Inborn genetic diseases. Last evaluated: 2023-10-17. Review status: criteria provided, single submitter. Criteria: Ambry Variant Classification Scheme 2023. Collection method: clinical testing. Allele origin: germline.

GeneDx
Classification: Uncertain significance. Last evaluated: 2023-01-06. Review status: criteria provided, single submitter. Criteria: GeneDx Variant Classification Process June 2021. Collection method: clinical testing. Allele origin: germline. Affected: yes.
Comment: Not observed at significant frequency in large population cohorts (gnomAD); In silico analysis supports that this missense variant does not alter protein structure/function; Has not been previously published as pathogenic or benign to our knowledge

NM_014159.7(SETD2):c.3214G>A (p.Val1072Met)

Gene: SETD2 (SET domain containing 2, histone lysine methyltransferase; minus strand). Cytogenetic location: 3p21.31.
Variant type: single nucleotide variant.
Coding change: c.3214G>A on transcript NM_014159.7 (MANE Select); coding-DNA position 3214, G replaced by A.
Protein change: p.Val1072Met; replaces valine 1072 with methionine.
Molecular consequence: missense variant. On other transcripts: non-coding transcript variant (1).
Genome position (GRCh38, 1-based): chr3:47,121,422, C>T on the plus strand (G>A on the coding strand, the complement: SETD2 is on the minus strand). VCF-style: chr3-47121422-C-T. GRCh37 (hg19) VCF-style: chr3-47162912-C-T.
Other names: c.3082G>A, p.Val1028Met (NM_001349370.3); short protein forms V1028M, V1072M.
Identifiers: ClinVar variation 2571891 (VCV002571891.2), dbSNP rs2106649541, ClinGen allele CA352523328.